The following is an entry in ClinVar:

NM_206933.4(USH2A):c.1297C>A (p.Pro433Thr)

Gene: USH2A (usherin; minus strand). Cytogenetic location: 1q41.
Variant type: single nucleotide variant.
Coding change: c.1297C>A on transcript NM_206933.4 (MANE Select); coding-DNA position 1297, C replaced by A.
Protein change: p.Pro433Thr; replaces proline 433 with threonine.
Molecular consequence: missense variant.
Genome position (GRCh38, 1-based): chr1:216,324,199, G>T on the plus strand (C>A on the coding strand, the complement: USH2A is on the minus strand). VCF-style: chr1-216324199-G-T. GRCh37 (hg19) VCF-style: chr1-216497541-G-T.
Other names: c.1297C>A, p.Pro433Thr (NM_007123.6); short protein forms P433T.
Identifiers: ClinVar variation 4530868 (VCV004530868.1).

ClinVar aggregate classification (germline): Uncertain significance (1 of 4 stars; one submission).

Submission:

GeneDx
Classification: Uncertain significance. Last evaluated: 2025-05-20. Review status: criteria provided, single submitter. Criteria: GeneDx Variant Classification Process June 2021. Collection method: clinical testing. Allele origin: germline. Affected: yes.
Comment: Not observed at significant frequency in large population cohorts (gnomAD); In silico analysis supports that this missense variant has a deleterious effect on protein structure/function; Has not been previously published as pathogenic or benign to our knowledge